The following is an entry in ClinVar:

ClinVar aggregate classification (germline): Uncertain significance (1 of 4 stars; one submission).

gnomAD v4.1: 6 of 1,613,780 alleles (0.00037%); highest among the groups gnomAD compares: Middle Eastern, 0.033%; no homozygotes.

Submission:

Mayo Clinic Laboratories, Mayo Clinic
Classification: Uncertain significance. Last evaluated: 2025-02-04. Review status: criteria provided, single submitter. Criteria: ACMG Guidelines, 2015. Collection method: clinical testing. Allele origin: germline. Observed: 1 variant allele.
Comment: PM2_supporting

NM_000037.4(ANK1):c.2462-895A>C

Gene: ANK1 (ankyrin 1; minus strand). Cytogenetic location: 8p11.21.
Variant type: single nucleotide variant.
Coding change: c.2462-895A>C on transcript NM_000037.4 (MANE Select); 895 bases into the intron before coding-DNA position 2462, A replaced by C.
Molecular consequence: intron variant. On other transcripts: missense variant (1).
Genome position (GRCh38, 1-based): chr8:41,700,443, T>G on the plus strand (A>C on the coding strand, the complement: ANK1 is on the minus strand). VCF-style: chr8-41700443-T-G. GRCh37 (hg19) VCF-style: chr8-41557961-T-G.
Other names: p.?; c.2572A>C, p.Ile858Leu (NM_001142446.2); c.2462-895A>C (NM_020477.3, NM_020475.3, NM_020476.3); short protein forms I858L.
Identifiers: ClinVar variation 4541365 (VCV004541365.1).